The following is an entry in ClinVar:

ClinVar aggregate classification (germline): Uncertain significance (1 of 4 stars; one submission).

Conditions:
Familial thoracic aortic aneurysm and aortic dissection (TAAD). Also called: Thoracic aortic aneurysms and dissections. Identifiers: Orphanet 91387, MedGen C4707243, MONDO:0019625.

gnomAD v4.1: 1 of 1,613,574 alleles (0.000062%); highest among the groups gnomAD compares: Non-Finnish European, 0.000085%; no homozygotes.

Submission:

Ambry Genetics
Classification: Uncertain significance for Familial thoracic aortic aneurysm and aortic dissection. Last evaluated: 2024-03-07. Review status: criteria provided, single submitter. Criteria: Ambry Variant Classification Scheme 2023. Collection method: clinical testing. Allele origin: germline.
Comment: The p.P1043S variant (also known as c.3127C>T), located in coding exon 15 of the MYLK gene, results from a C to T substitution at nucleotide position 3127. The proline at codon 1043 is replaced by serine, an amino acid with similar properties. This amino acid position is conserved. In addition, this alteration is predicted to be tolerated by in silico analysis. Based on the available evidence, the clinical significance of this alteration remains unclear.

NM_053025.4(MYLK):c.3127C>T (p.Pro1043Ser)

Gene: MYLK (myosin light chain kinase; minus strand). Cytogenetic location: 3q21.1.
Variant type: single nucleotide variant.
Coding change: c.3127C>T on transcript NM_053025.4 (MANE Select); coding-DNA position 3127, C replaced by T.
Protein change: p.Pro1043Ser; replaces proline 1043 with serine.
Molecular consequence: missense variant.
Genome position (GRCh38, 1-based): chr3:123,700,341, G>A on the plus strand (C>T on the coding strand, the complement: MYLK is on the minus strand). VCF-style: chr3-123700341-G-A. GRCh37 (hg19) VCF-style: chr3-123419188-G-A.
Other names: c.2599C>T, p.Pro867Ser (NM_001321309.2); c.2920C>T, p.Pro974Ser (NM_053026.4, NM_053028.4); c.3127C>T, p.Pro1043Ser (NM_053027.4); short protein forms P1043S, P867S, P974S.
Identifiers: ClinVar variation 3228907 (VCV003228907.1), dbSNP rs777200220, ClinGen allele CA354230003.